The following is an entry in ClinVar:

NM_025137.4(SPG11):c.4708G>C (p.Ala1570Pro)

Gene: SPG11 (SPG11 vesicle trafficking associated, spatacsin; minus strand). Cytogenetic location: 15q21.1.
Variant type: single nucleotide variant.
Coding change: c.4708G>C on transcript NM_025137.4 (MANE Select); coding-DNA position 4708, G replaced by C.
Protein change: p.Ala1570Pro; replaces alanine 1570 with proline.
Molecular consequence: missense variant.
Genome position (GRCh38, 1-based): chr15:44,592,366, C>G on the plus strand (G>C on the coding strand, the complement: SPG11 is on the minus strand). VCF-style: chr15-44592366-C-G. GRCh37 (hg19) VCF-style: chr15-44884564-C-G.
Other names: c.4708G>C, p.Ala1570Pro (NM_001160227.2); short protein forms A1570P.
Identifiers: ClinVar variation 1019803 (VCV001019803.8), dbSNP rs2082922918, ClinGen allele CA392225219.

ClinVar aggregate classification (germline): Uncertain significance (1 of 4 stars; one submission).

Conditions:
Hereditary spastic paraplegia 11. Also called: Nakamura Osame syndrome; Autosomal recessive hereditary spastic paraplegia, mental impairment, and thin corpus callosum; Spastic Paraplegia 11; Spastic paraplegia, mental retardation and thin corpus callosum; SPASTIC PARAPLEGIA, AUTOSOMAL RECESSIVE, COMPLICATED, WITH THIN CORPUS CALLOSUM; SPASTIC PARAPLEGIA, AUTOSOMAL RECESSIVE, WITH MENTAL IMPAIRMENT AND THIN CORPUS CALLOSUM. Identifiers: Orphanet 2822, MedGen C1858479, MONDO:0011445, OMIM 604360.

Submission:

Labcorp Genetics (formerly Invitae), Labcorp
Classification: Uncertain significance for Hereditary spastic paraplegia 11. Last evaluated: 2022-02-04. Review status: criteria provided, single submitter. Criteria: Invitae Variant Classification Sherloc (09022015). Collection method: clinical testing. Allele origin: germline.
Comment: This sequence change replaces alanine, which is neutral and non-polar, with proline, which is neutral and non-polar, at codon 1570 of the SPG11 protein (p.Ala1570Pro). This variant is not present in population databases (gnomAD no frequency). This variant has not been reported in the literature in individuals affected with SPG11-related conditions. ClinVar contains an entry for this variant (Variation ID: 1019803). Algorithms developed to predict the effect of missense changes on protein structure and function are either unavailable or do not agree on the potential impact of this missense change (SIFT: "Tolerated"; PolyPhen-2: "Possibly Damaging"; Align-GVGD: "Class C0"). In summary, the available evidence is currently insufficient to determine the role of this variant in disease. Therefore, it has been classified as a Variant of Uncertain Significance.